The following is an entry in ClinVar:

NM_002485.5(NBN):c.1812T>A (p.Ser604Arg)

Gene: NBN (nibrin; minus strand). Cytogenetic location: 8q21.3.
Variant type: single nucleotide variant.
Coding change: c.1812T>A on transcript NM_002485.5 (MANE Select); coding-DNA position 1812, T replaced by A.
Protein change: p.Ser604Arg; replaces serine 604 with arginine.
Molecular consequence: missense variant.
Genome position (GRCh38, 1-based): chr8:89,953,277, A>T on the plus strand (T>A on the coding strand, the complement: NBN is on the minus strand). VCF-style: chr8-89953277-A-T. GRCh37 (hg19) VCF-style: chr8-90965505-A-T.
Other names: c.1566T>A, p.Ser522Arg (NM_001024688.3); short protein forms S522R, S604R.
Identifiers: ClinVar variation 1716575 (VCV001716575.5), dbSNP rs1586052747, ClinGen allele CA371655036.

ClinVar aggregate classification (germline): Uncertain significance (1 of 4 stars; one submission).

Conditions:
Microcephaly, normal intelligence and immunodeficiency (NBS). Also called: Nijmegen breakage syndrome; Microcephaly with normal intelligence immunodeficiency and lymphoreticular malignancies; Nonsyndromal microcephaly autosomal recessive with normal intelligence; Seemanova syndrome 2; Ataxia telangiectasia variant V1; SEEMANOVA SYNDROME II. Identifiers: Orphanet 647, MedGen C0398791, MONDO:0009623, OMIM 251260.

Submission:

Labcorp Genetics (formerly Invitae), Labcorp
Classification: Uncertain significance for Microcephaly, normal intelligence and immunodeficiency. Last evaluated: 2022-08-16. Review status: criteria provided, single submitter. Criteria: Invitae Variant Classification Sherloc (09022015). Collection method: clinical testing. Allele origin: germline.
Comment: In summary, the available evidence is currently insufficient to determine the role of this variant in disease. Therefore, it has been classified as a Variant of Uncertain Significance. Algorithms developed to predict the effect of missense changes on protein structure and function (SIFT, PolyPhen-2, Align-GVGD) all suggest that this variant is likely to be tolerated. This variant has not been reported in the literature in individuals affected with NBN-related conditions. This variant is not present in population databases (gnomAD no frequency). This sequence change replaces serine, which is neutral and polar, with arginine, which is basic and polar, at codon 604 of the NBN protein (p.Ser604Arg).